The following is an entry in ClinVar:

ClinVar aggregate classification (germline): Uncertain significance (1 of 4 stars; one submission).

Conditions:
Ataxia-telangiectasia syndrome (AT). Also called: Ataxia-telangiectasia, complementation group D; AT, COMPLEMENTATION GROUP C; ATAXIA-TELANGIECTASIA, COMPLEMENTATION GROUP A; ATAXIA-TELANGIECTASIA, FRESNO VARIANT; Ataxia-telangiectasia, complementation group E; LOUIS-BAR SYNDROME. Identifiers: Orphanet 100, MedGen C0004135, MONDO:0008840, OMIM 208900.

Submission:

Labcorp Genetics (formerly Invitae), Labcorp
Classification: Uncertain significance for Ataxia-telangiectasia syndrome. Last evaluated: 2022-05-22. Review status: criteria provided, single submitter. Criteria: Invitae Variant Classification Sherloc (09022015). Collection method: clinical testing. Allele origin: germline.
Comment: Algorithms developed to predict the effect of sequence changes on RNA splicing suggest that this variant may disrupt the consensus splice site. In summary, the available evidence is currently insufficient to determine the role of this variant in disease. Therefore, it has been classified as a Variant of Uncertain Significance. This variant has not been reported in the literature in individuals affected with ATM-related conditions. This variant is not present in population databases (gnomAD no frequency). This variant, c.7323_7334del, results in the deletion of 4 amino acid(s) of the ATM protein (p.Gln2442_Leu2445del), but otherwise preserves the integrity of the reading frame.

NM_000051.4(ATM):c.7323_7334del (p.Gln2442_Leu2445del)

Genes: ATM (ATM serine/threonine kinase; plus strand), C11orf65 (chromosome 11 open reading frame 65; minus strand). Cytogenetic location: 11q22.3.
Variant type: Deletion.
Coding change: c.7323_7334del on transcript NM_000051.4 (MANE Select); coding-DNA positions 7323 to 7334, 12 bases deleted (TCAGCGAGAGCT).
Protein change: p.Gln2442_Leu2445del.
Molecular consequence: inframe deletion. On other transcripts: intron variant (2).
Genome position (GRCh38, 1-based): chr11:108,330,229-108,330,240, TCAGCGAGAGCT deleted; deleting any 12 consecutive bases within chr11:108,330,228-108,330,240 gives the same sequence; the c. name uses the placement nearest the transcript's 3' end. VCF-style (leftmost placement, unchanged base first): chr11-108330227-GTTCAGCGAGAGC-G. GRCh37 (hg19) VCF-style: chr11-108200954-GTTCAGCGAGAGC-G.
Other names: c.7323_7334del, p.Gln2442_Leu2445del (NM_001351834.2); c.641-21168_641-21157del (NM_001330368.2); c.*38+4981_*38+4992del (NM_001351110.2).
Identifiers: ClinVar variation 1998066 (VCV001998066.4), dbSNP rs2547260522, ClinGen allele CA2580083347.
Genomic context (GRCh38, chr11:108,330,227, plus strand): 5'-GTTAAAGTTCATGGCTTTTGTGTTTTACCTTAATTATTCTATGCAAGATACACAGTAAAG[GTTCAGCGAGAGC>G]TGGAGTTGGATGAATTAGCCCTGCGTGCACTGAAAGAGGATCGTAAACGCTTCTTATGTA-3'